The following is an entry in ClinVar:

ClinVar aggregate classification (germline): Pathogenic (1 of 4 stars; one submission).

Conditions:
Supravalvar aortic stenosis (SVAS). Also called: Supravalvar aortic stenosis, Eisenberg type. Identifiers: Orphanet 3193, MedGen C0003499, MONDO:0008504, OMIM 185500, HP:0004381.

Submission:

Laboratory for Molecular Medicine, Mass General Brigham Personalized Medicine
Classification: Pathogenic for Supravalvular aortic stenosis. Last evaluated: 2012-07-30. Review status: criteria provided, single submitter. Criteria: LMM Criteria. Collection method: clinical testing. Allele origin: germline. Inheritance: Autosomal dominant inheritance. Observed: 3 variant alleles.
Comment: The p.Tyr595X variant in ELN has not been previously reported in individuals wit h SVAS and was absent from large population studies. This nonsense variant leads to a premature termination codon at position 595, which is predicted to lead to a truncated or absent protein. Heterozygous loss-of-function of the ELN gene is an established disease mechanism in SVAS (Human Gene Mutation Database, HGMD). In summary, the p.Tyr595X variant meets our criteria to be classified as pathoge nic for SVAS in an autosomal dominant manner.

NM_000501.4(ELN):c.1785T>A (p.Tyr595Ter)

Genes: ELN-AS1 (ELN antisense RNA 1; minus strand), ELN (elastin; plus strand). Cytogenetic location: 7q11.23.
Variant type: single nucleotide variant.
Coding change: c.1785T>A on transcript NM_000501.4 (MANE Select); coding-DNA position 1785, T replaced by A.
Protein change: p.Tyr595Ter; replaces tyrosine 595 with a stop codon.
Molecular consequence: nonsense.
Genome position (GRCh38, 1-based): chr7:74,061,138, T>A. VCF-style: chr7-74061138-T-A. GRCh37 (hg19) VCF-style: chr7-73475468-T-A.
Other names: c.1698T>A, p.Tyr566Ter (NM_001081752.3); c.1743T>A, p.Tyr581Ter (NM_001081753.3); c.1800T>A, p.Tyr600Ter (NM_001081754.3); c.1728T>A, p.Tyr576Ter (NM_001081755.3); c.1785T>A, p.Tyr595Ter (NM_001278912.2); c.1542T>A, p.Tyr514Ter (NM_001278913.2); c.1713T>A, p.Tyr571Ter (NM_001278914.2); c.1803T>A, p.Tyr601Ter (NM_001278915.2); and 4 more; short protein forms Y595*, Y600*, Y657*, Y514*, Y571*, Y576*, Y585*, Y601*.
Identifiers: ClinVar variation 163396 (VCV000163396.4), dbSNP rs727503033, ClinGen allele CA281478.